The following continues an entry in ClinVar:

NM_138422.4(ADAT3):c.430G>A (p.Val144Met)

ClinVar aggregate classification (germline): Pathogenic/Likely pathogenic. Pathogenic (18); Likely pathogenic (2).

Submissions 18 to 26 of 26:

Hadassah Hebrew University Medical Center
Classification: Likely pathogenic for Intellectual disability-strabismus syndrome. Review status: criteria provided, single submitter. Criteria: ACMG Guidelines, 2015. Collection method: clinical testing. Allele origin: germline. Inheritance: Autosomal recessive inheritance. Affected: yes.

Institute of Human Genetics, University Hospital of Duesseldorf
Classification: Pathogenic for Intellectual disability-strabismus syndrome. Review status: criteria provided, single submitter. Criteria: ACMG Guidelines, 2015. Collection method: not provided. Allele origin: germline. Inheritance: Autosomal recessive inheritance. Affected: yes.

Pathology and Clinical Laboratory Medicine, King Fahad Medical City
Classification: Pathogenic for Intellectual disability-strabismus syndrome. Review status: criteria provided, single submitter. Criteria: ACMG Guidelines, 2015. Collection method: clinical testing. Allele origin: germline. Affected: yes. Observed: 11 variant alleles.

Biochemical Molecular Genetic Laboratory, King Abdulaziz Medical City
Classification: Pathogenic for Intellectual disability-strabismus syndrome. Last evaluated: 2019-08-25. Review status: no assertion criteria provided. Collection method: clinical testing. Allele origin: germline. Affected: yes. Not counted in ClinVar's aggregate classification.

Section for Clinical Neurogenetics, University of Tübingen
Classification: Pathogenic for Intellectual disability-strabismus syndrome. Last evaluated: 2019-08-01. Review status: no assertion criteria provided. Collection method: research. Allele origin: germline. Affected: yes. Not counted in ClinVar's aggregate classification.

OMIM
Classification: Pathogenic for NEURODEVELOPMENTAL DISORDER WITH BRAIN ABNORMALITIES, POOR GROWTH, AND DYSMORPHIC FACIES. Last evaluated: 2013-07-01. Review status: no assertion criteria provided. Collection method: literature only. Allele origin: germline. Not counted in ClinVar's aggregate classification.

Genome Diagnostics Laboratory, Amsterdam University Medical Center
Classification: Pathogenic. Review status: no assertion criteria provided. Collection method: clinical testing. Allele origin: germline. Affected: yes. Study: VKGL Data-share Consensus. Not counted in ClinVar's aggregate classification.

Joint Genome Diagnostic Labs from Nijmegen and Maastricht, Radboudumc and MUMC+
Classification: Likely pathogenic. Review status: no assertion criteria provided. Collection method: clinical testing. Allele origin: germline. Affected: yes. Study: VKGL Data-share Consensus. Not counted in ClinVar's aggregate classification.

Genomic Medicine Center of Excellence, King Faisal Specialist Hospital and Research Centre
Classification: Likely pathogenic for Mental retardation, autosomal recessive 36. Last evaluated: 2014-12-01. Review status: flagged submission. Criteria: research. Collection method: research. Allele origin: germline. Affected: yes. Not counted in ClinVar's aggregate classification.
ClinVar note: Reason: This record appears to be redundant with a more recent record from the same submitter.
ClinVar note: Notes: SCV000196407 appears to be redundant with SCV004804796.

Literature cited by the submitters: PubMed 32860008 (cited by Department of Molecular Genetics, Istishari Arab Hospital and CENTOGENE GmbH and LLC - Guiding Precision Medicine); PubMed 32214227 (cited by Department of Molecular Genetics, Istishari Arab Hospital and Section for Clinical Neurogenetics, University of Tübingen); PubMed 30296593 (cited by Department of Molecular Genetics, Istishari Arab Hospital and OMIM); PubMed 26842963 (cited by 3 submitters); PubMed 23620220 (cited by 4 submitters); PubMed 25558065 (cited by Genomic Medicine Center of Excellence, King Faisal Specialist Hospital and Research Centre).